The following is an entry in ClinVar:

NM_020066.5(FMN2):c.3507C>T (p.Pro1169=)

Gene: FMN2 (formin 2; plus strand). Cytogenetic location: 1q43.
Variant type: single nucleotide variant.
Coding change: c.3507C>T on transcript NM_020066.5 (MANE Select); coding-DNA position 3507, C replaced by T.
Protein change: p.Pro1169=; no amino-acid change (proline 1169 retained).
Molecular consequence: synonymous variant. On other transcripts: intron variant (1).
Genome position (GRCh38, 1-based): chr1:240,208,319, C>T. VCF-style: chr1-240208319-C-T. GRCh37 (hg19) VCF-style: chr1-240371619-C-T.
Other names: c.3519C>T, p.Pro1173= (NM_001305424.2); c.1986+20057C>T (NM_001348094.2).
Identifiers: ClinVar variation 3036655 (VCV003036655.16), dbSNP rs374929692, ClinGen allele CA1477214.

ClinVar aggregate classification (germline): Likely benign. Review status: criteria provided, single submitter (1 of 4 stars). 2 submissions from 2 submitters: Likely benign (1). 1 of the submissions does not count toward it. Last evaluated 2026-07-01.

Conditions:
FMN2-related disorder. Also called: FMN2-related condition.

Allele frequency attached by ClinVar (database versions not stated): ESP Exome Variant Server 0.00079.

Submissions (2):

CeGaT Center for Human Genetics Tuebingen
Classification: Likely benign. Last evaluated: 2026-07-01. Review status: criteria provided, single submitter. Criteria: CeGaT Center For Human Genetics Tuebingen Variant Classification Criteria Version 2. Collection method: clinical testing. Allele origin: germline. Affected: yes. Observed: 4 variant alleles.
Comment: FMN2: BP4, BP7

PreventionGenetics, part of Exact Sciences
Classification: Likely benign for FMN2-related condition. Last evaluated: 2020-06-25. Review status: no assertion criteria provided. Collection method: clinical testing. Allele origin: germline. Not counted in ClinVar's aggregate classification.
Comment: This variant is classified as likely benign based on ACMG/AMP sequence variant interpretation guidelines (Richards et al. 2015 PMID: 25741868, with internal and published modifications).